The following continues an entry in ClinVar:

NM_000271.5(NPC1):c.2974G>C (p.Gly992Arg)

Gene: NPC1. ClinVar aggregate classification (germline): Pathogenic/Likely pathogenic. Pathogenic (10); Likely pathogenic (2).

Submissions 12 to 15 of 15:

Women's Health and Genetics/Laboratory Corporation of America, LabCorp
Classification: Pathogenic for Niemann-Pick disease, type C. Last evaluated: 2017-04-26. Review status: criteria provided, single submitter. Criteria: LabCorp Variant Classification Summary - May 2015. Collection method: clinical testing. Allele origin: germline.
Comment: Variant summary: The NPC1 c.2974G>C (p.Gly992Arg) variant involves the alteration of a conserved nucleotide. 2/4 in silico tools predict a damaging outcome for this variant (SNPsandGO not captured due to low reliability index). This variant was found in 4/121558 control chromosomes at a frequency of 0.0000329, which does not exceed the estimated maximal expected allele frequency of a pathogenic NPC1 variant (0.0027735). This variant has been reported in NPC patients (mostly adult-onset) both as homozygote and compound heterozygote. Another variant involving the same nucleotide G2974A, causing the same amino acid change G992R, has also been reported in multiple affected individuals. In addition, multiple clinical diagnostic laboratories/reputable databases classified this variant as pathogenic/likely pathogenic. Taken together, this variant is classified as pathogenic.

Counsyl
Classification: Likely pathogenic for Niemann-Pick disease type C1. Last evaluated: 2014-05-19. Review status: no assertion criteria provided. Collection method: literature only. Allele origin: unknown. Inheritance: Autosomal recessive inheritance. Not counted in ClinVar's aggregate classification.

OMIM
Classification: Pathogenic for NIEMANN-PICK DISEASE, TYPE C1. Last evaluated: 2004-12-14. Review status: no assertion criteria provided. Collection method: literature only. Allele origin: germline. Not counted in ClinVar's aggregate classification.

GeneReviews
No classification provided. Condition: Niemann-Pick disease, type C1. Review status: no classification provided. Collection method: literature only. Allele origin: unknown. Not counted in ClinVar's aggregate classification.

Literature cited by the submitters: PubMed 33360098 (cited by Natera, Inc.); PubMed 25236789 (cited by Natera, Inc. and Mayo Clinic Laboratories, Mayo Clinic); PubMed 11333381 (cited by 9 submitters); PubMed 16126423 (cited by 5 submitters); PubMed 26984608 (cited by Labcorp Genetics (formerly Invitae), Labcorp and Dasa); PubMed 9634529 (cited by Labcorp Genetics (formerly Invitae), Labcorp); PubMed 12955717 (cited by Labcorp Genetics (formerly Invitae), Labcorp); PubMed 20718790 (cited by Labcorp Genetics (formerly Invitae), Labcorp and Counsyl); PubMed 32138288 (cited by Victorian Clinical Genetics Services, Murdoch Childrens Research Institute); PubMed 12205649 (cited by Mayo Clinic Laboratories, Mayo Clinic and Counsyl); PubMed 17003072 (cited by 3 submitters); PubMed 19013089 (cited by Mayo Clinic Laboratories, Mayo Clinic and Counsyl); PubMed 19307542 (cited by Mayo Clinic Laboratories, Mayo Clinic and Counsyl); PubMed 23427322 (cited by Mayo Clinic Laboratories, Mayo Clinic and Counsyl); PubMed 23773996 (cited by 3 submitters); PubMed 25349751 (cited by Mayo Clinic Laboratories, Mayo Clinic); PubMed 23821321 (cited by Women's Health and Genetics/Laboratory Corporation of America, LabCorp); PubMed 24570279 (cited by Women's Health and Genetics/Laboratory Corporation of America, LabCorp and Counsyl); PubMed 19609713 (cited by Counsyl); PubMed 16098014 (cited by Counsyl); PubMed 11479732 (cited by Counsyl); PubMed 15596783 (cited by OMIM and GeneReviews); PubMed 4795418 (cited by OMIM and GeneReviews); PubMed 20301473 (cited by GeneReviews); NCBI Bookshelf NBK1296 (cited by GeneReviews).